The following is an entry in ClinVar:

ClinVar aggregate classification (germline): Uncertain significance (1 of 4 stars; one submission).

Conditions:
Autosomal recessive nonsyndromic hearing loss 77. Identifiers: Orphanet 90636, MedGen C2746083, MONDO:0013119, OMIM 613079.

Submission:

Myriad Genetics, Inc.
Classification: Uncertain significance for Autosomal recessive nonsyndromic hearing loss 77. Last evaluated: 2026-05-21. Review status: criteria provided, single submitter. Criteria: Myriad Autosomal Dominant, Autosomal Recessive and X-Linked Classification Criteria (2023). Collection method: clinical testing. Allele origin: unknown.
Comment: NM_144612.6(LOXHD1):c.2T>C(M1?) is an initiation codon variant classified as a variant of uncertain significance in the context of nonsyndromic hearing loss, LOXHD1-related. M1? has not been observed in cases with relevant disease. Relevant functional assessments of this variant are not available in the literature. M1? has not been observed in referenced population frequency databases. In summary, there is insufficient evidence to classify NM_144612.6(LOXHD1):c.2T>C(M1?) as pathogenic or benign. Please note: this variant was assessed in the context of healthy population screening.

NM_001384474.1(LOXHD1):c.2T>C (p.Met1Thr)

Gene: LOXHD1 (lipoxygenase homology PLAT domains 1; minus strand). Cytogenetic location: 18q21.1.
Variant type: single nucleotide variant.
Coding change: c.2T>C on transcript NM_001384474.1 (MANE Select); coding-DNA position 2, T replaced by C.
Protein change: p.Met1Thr; changes the start codon (methionine 1).
Molecular consequence: missense variant, initiator codon variant.
Genome position (GRCh38, 1-based): chr18:46,657,032, A>G on the plus strand (T>C on the coding strand, the complement: LOXHD1 is on the minus strand). VCF-style: chr18-46657032-A-G. GRCh37 (hg19) VCF-style: chr18-44236995-A-G.
Other names: c.2T>C, p.Met1Thr (NM_144612.7); short protein forms M1T.
Identifiers: ClinVar variation 5003909 (VCV005003909.1).